The following is an entry in ClinVar:

NM_001256627.2(BRSK2):c.1395G>A (p.Pro465=)

Gene: BRSK2 (BR serine/threonine kinase 2; plus strand). Cytogenetic location: 11p15.5.
Variant type: single nucleotide variant.
Coding change: c.1395G>A on transcript NM_001256627.2 (MANE Select); coding-DNA position 1395, G replaced by A.
Protein change: p.Pro465=; no amino-acid change (proline 465 retained).
Molecular consequence: synonymous variant. On other transcripts: non-coding transcript variant (1).
Genome position (GRCh38, 1-based): chr11:1,450,694, G>A. VCF-style: chr11-1450694-G-A. GRCh37 (hg19) VCF-style: chr11-1471924-G-A.
Other names: c.1395G>A, p.Pro465= (NM_001256629.2, NM_003957.4); c.1533G>A, p.Pro511= (NM_001256630.1); c.1215G>A, p.Pro405= (NM_001282218.2).
Identifiers: ClinVar variation 2641336 (VCV002641336.24), dbSNP rs370281113, ClinGen allele CA5811037.
Genomic context (GRCh38, chr11:1,450,694, plus strand): 5'-GGGGACACCTGTCCACACGCCAAAGGAGAGCCCGGCTGGCACGCCCAACCCCACGCCCCC[G>A]TCCAGCCCCAGCGTCGGAGGGGTGCCCTGGAGGGCGCGGCTCAACTCCATCAAGAACAGC-3'
Protein context (NP_001243556.1, residues 455-475): SPAGTPNPTP[Pro465=]SSPSVGGVPW

ClinVar aggregate classification (germline): Likely benign (1 of 4 stars; one submission).

Allele frequency attached by ClinVar (database versions not stated): ESP Exome Variant Server 0.00008; gnomAD exomes 0.00010; gnomAD 0.00012; ExAC 0.00013; TOPMed 0.00016; 1000 Genomes Project 0.00040; 1000 Genomes Project 30x 0.00047.
gnomAD v4.1: 168 of 1,608,750 alleles (0.01%); highest among the groups gnomAD compares: Admixed American, 0.017%; no homozygotes.

Submission:

CeGaT Center for Human Genetics Tuebingen
Classification: Likely benign. Last evaluated: 2022-07-01. Review status: criteria provided, single submitter. Criteria: CeGaT Center For Human Genetics Tuebingen Variant Classification Criteria Version 2. Collection method: clinical testing. Allele origin: germline. Affected: yes. Observed: 1 variant allele.
Comment: BRSK2: BP4, BP7